The following is an entry in ClinVar:

NM_004369.4(COL6A3):c.6879+33C>T

Gene: COL6A3 (collagen type VI alpha 3 chain; minus strand). Cytogenetic location: 2q37.3.
Variant type: single nucleotide variant.
Coding change: c.6879+33C>T on transcript NM_004369.4 (MANE Select); 33 bases into the intron after coding-DNA position 6879, C replaced by T.
Molecular consequence: intron variant.
Genome position (GRCh38, 1-based): chr2:237,350,114, G>A on the plus strand (C>T on the coding strand, the complement: COL6A3 is on the minus strand). VCF-style: chr2-237350114-G-A. GRCh37 (hg19) VCF-style: chr2-238258757-G-A.
Other names: c.5058+33C>T (NM_057166.5); c.6261+33C>T (NM_057167.4).
Identifiers: ClinVar variation 259314 (VCV000259314.7), dbSNP rs78071799, ClinGen allele CA2188048.
Genomic context (GRCh38, chr2:237,350,114, plus strand): 5'-AGGCTCATCTTTATTTGGAACCCTCTCCTGGCTTCCTGCACCTTCCAGCAAAGAGTCAGC[G>A]ACAGCCTGACCCCAAGCGCGCTGTGACCTTACCGTCTCCCCACGAGGGCCCCGGTTCCCG-3'

ClinVar aggregate classification (germline): Benign/Likely benign. Review status: criteria provided, multiple submitters, no conflicts (2 of 4 stars). 3 submissions from 3 submitters: Benign (1); Likely benign (1). 1 of the submissions does not count toward it. Last evaluated 2018-09-05.

Conditions:
COL6A3-related disorder. Also called: COL6A3-related condition; COL6A3-related disorders.

Allele frequency attached by ClinVar (database versions not stated): ESP Exome Variant Server 0.00038; 1000 Genomes Project 30x 0.01889; 1000 Genomes Project 0.02117; gnomAD exomes 0.00288 and 0.00852; ExAC 0.00786; gnomAD 0.00254 and 0.00382; TOPMed 0.00465.
gnomAD v4.1: 4,954 of 1,608,338 alleles (0.31%); highest among the groups gnomAD compares: East Asian, 9.5%; 213 homozygotes.

Submissions (3):

GeneDx
Classification: Benign. Last evaluated: 2018-09-05. Review status: criteria provided, single submitter. Criteria: GeneDx Variant Classification Process June 2021. Collection method: clinical testing. Allele origin: germline. Affected: yes.

Breakthrough Genomics
Classification: Likely benign. Review status: criteria provided, single submitter. Criteria: ACMG Guidelines, 2015. Collection method: not provided. Allele origin: germline. Inheritance: Autosomal recessive inheritance. Affected: yes.

PreventionGenetics, part of Exact Sciences
Classification: Benign for COL6A3-related condition. Last evaluated: 2023-03-28. Review status: no assertion criteria provided. Collection method: clinical testing. Allele origin: germline. Not counted in ClinVar's aggregate classification.
Comment: This variant is classified as benign based on ACMG/AMP sequence variant interpretation guidelines (Richards et al. 2015 PMID: 25741868, with internal and published modifications).